The following is an entry in ClinVar:

ClinVar aggregate classification (germline): Uncertain significance (1 of 4 stars; one submission).

Submission:

GeneDx
Classification: Uncertain significance. Last evaluated: 2024-02-18. Review status: criteria provided, single submitter. Criteria: GeneDx Variant Classification Process June 2021. Collection method: clinical testing. Allele origin: germline. Affected: yes.
Comment: Not observed at significant frequency in large population cohorts (gnomAD); In silico analysis supports that this missense variant has a deleterious effect on protein structure/function; Has not been previously published as pathogenic or benign to our knowledge

NM_015001.3(SPEN):c.4525G>T (p.Asp1509Tyr)

Gene: SPEN (spen family transcriptional repressor; plus strand). Cytogenetic location: 1p36.13.
Variant type: single nucleotide variant.
Coding change: c.4525G>T on transcript NM_015001.3 (MANE Select); coding-DNA position 4525, G replaced by T.
Protein change: p.Asp1509Tyr; replaces aspartic acid 1509 with tyrosine.
Molecular consequence: missense variant.
Genome position (GRCh38, 1-based): chr1:15,930,765, G>T. VCF-style: chr1-15930765-G-T. GRCh37 (hg19) VCF-style: chr1-16257260-G-T.
Other names: short protein forms D1509Y.
Identifiers: ClinVar variation 3369446 (VCV003369446.1).